The following is an entry in ClinVar:

ClinVar aggregate classification (germline): Uncertain significance (1 of 4 stars; one submission).

Submission:

Labcorp Genetics (formerly Invitae), Labcorp
Classification: Uncertain significance. Last evaluated: 2024-02-24. Review status: criteria provided, single submitter. Criteria: Invitae Variant Classification Sherloc (09022015). Collection method: clinical testing. Allele origin: germline.
Comment: This sequence change replaces asparagine, which is neutral and polar, with aspartic acid, which is acidic and polar, at codon 2981 of the CDH23 protein (p.Asn2981Asp). This variant is not present in population databases (gnomAD no frequency). This variant has not been reported in the literature in individuals affected with CDH23-related conditions. ClinVar contains an entry for this variant (Variation ID: 1904989). Advanced modeling of protein sequence and biophysical properties (such as structural, functional, and spatial information, amino acid conservation, physicochemical variation, residue mobility, and thermodynamic stability) performed at Invitae indicates that this missense variant is not expected to disrupt CDH23 protein function with a negative predictive value of 95%. In summary, the available evidence is currently insufficient to determine the role of this variant in disease. Therefore, it has been classified as a Variant of Uncertain Significance.

NM_022124.6(CDH23):c.8941A>G (p.Asn2981Asp)

Gene: CDH23 (cadherin related 23; plus strand). Cytogenetic location: 10q22.1.
Variant type: single nucleotide variant.
Coding change: c.8941A>G on transcript NM_022124.6 (MANE Select); coding-DNA position 8941, A replaced by G.
Protein change: p.Asn2981Asp; replaces asparagine 2981 with aspartic acid.
Molecular consequence: missense variant.
Genome position (GRCh38, 1-based): chr10:71,810,038, A>G. VCF-style: chr10-71810038-A-G. GRCh37 (hg19) VCF-style: chr10-73569795-A-G.
Other names: c.2221A>G, p.Asn741Asp (NM_001171933.1, NM_001171934.1); short protein forms N2981D, N741D.
Identifiers: ClinVar variation 1904989 (VCV001904989.5), dbSNP rs2494445111, ClinGen allele CA377133855.
Genomic context (GRCh38, chr10:71,810,038, plus strand): 5'-ATTAACGAGATCCCCGACCGTGTGCGCGGCTTCGAGGAGGAGTTCATCCACCTGCTCTCC[A>G]ACATCACTGGGGCCATTGTCAATACTGACAATGTGCAGGTGCCTCATGGGCCCACCCGGG-3'
Protein context (NP_071407.4, residues 2971-2991): FEEEFIHLLS[Asn2981Asp]ITGAIVNTDN